The following is an entry in ClinVar:

NM_000138.5(FBN1):c.5838A>G (p.Gln1946=)

Gene: FBN1 (fibrillin 1; minus strand). Cytogenetic location: 15q21.1.
Variant type: single nucleotide variant.
Coding change: c.5838A>G on transcript NM_000138.5 (MANE Select); coding-DNA position 5838, A replaced by G.
Protein change: p.Gln1946=; no amino-acid change (glutamine 1946 retained).
Molecular consequence: synonymous variant.
Genome position (GRCh38, 1-based): chr15:48,445,455, T>C on the plus strand (A>G on the coding strand, the complement: FBN1 is on the minus strand). VCF-style: chr15-48445455-T-C. GRCh37 (hg19) VCF-style: chr15-48737652-T-C.
Identifiers: ClinVar variation 1171987 (VCV001171987.9), dbSNP rs759049300, ClinGen allele CA055736.
Genomic context (GRCh38, chr15:48,445,455, plus strand): 5'-TGGAGCCACCTCATAGCCTTCATTGCACTGGCACTGGAAAGACCCCACTGTATTAATGCA[T>C]TGGCCATTTCTGCAAAGATTCCCATTTCCACTTGCACATTCATCAACATCTGCAGAAAAA-3'
Protein context (NP_000129.3, residues 1936-1956): SGNGNLCRNG[Gln1946=]CINTVGSFQC

ClinVar aggregate classification (germline): Likely benign. Review status: criteria provided, multiple submitters, no conflicts (2 of 4 stars). 5 submissions from 5 submitters: Likely benign (5). Last evaluated 2024-12-06.

Conditions:
Marfan syndrome (MFS). Also called: Marfan syndrome type 1; Marfan's syndrome; Marfan syndrome, classic; MARFAN SYNDROME, TYPE I; FBN1-Related Marfan Syndrome. Identifiers: Orphanet 284963, Orphanet 558, MedGen C0024796, MONDO:0007947, OMIM 154700.
Familial thoracic aortic aneurysm and aortic dissection (TAAD). Also called: Thoracic aortic aneurysms and dissections. Identifiers: Orphanet 91387, MedGen C4707243, MONDO:0019625.

Allele frequency attached by ClinVar (database versions not stated): gnomAD exomes below 0.00001; ExAC 0.00001.
gnomAD v4.1: 2 of 1,612,530 alleles (0.00012%); highest among the groups gnomAD compares: Non-Finnish European, 0.00017%; no homozygotes.

Submissions (5):

Women's Health and Genetics/Laboratory Corporation of America, LabCorp
Classification: Likely benign. Last evaluated: 2024-12-06. Review status: criteria provided, single submitter. Criteria: LabCorp Variant Classification Summary - May 2015. Collection method: clinical testing. Allele origin: germline.

Labcorp Genetics (formerly Invitae), Labcorp
Classification: Likely benign for Marfan syndrome; Familial thoracic aortic aneurysm and aortic dissection. Last evaluated: 2024-04-30. Review status: criteria provided, single submitter. Criteria: Invitae Variant Classification Sherloc (09022015). Collection method: clinical testing. Allele origin: germline.

All of Us Research Program, National Institutes of Health
Classification: Likely benign for Marfan syndrome. Last evaluated: 2023-06-26. Review status: criteria provided, single submitter. Criteria: ACMG Guidelines, 2015. Collection method: clinical testing. Allele origin: germline. Inheritance: Autosomal dominant inheritance. Observed: 2 variant alleles, 2 heterozygotes.
Comment: This study involves interpretation of variants in research participants for the purpose of population health screening. Participant phenotype was not available at the time of variant classification. Additional details can be found in publication PMID: 35346344, PMCID: PMC8962531

Ambry Genetics
Classification: Likely benign for Familial thoracic aortic aneurysm and aortic dissection. Last evaluated: 2023-05-04. Review status: criteria provided, single submitter. Criteria: Ambry Variant Classification Scheme 2023. Collection method: clinical testing. Allele origin: germline.

Color Diagnostics, LLC DBA Color Health
Classification: Likely benign for Familial thoracic aortic aneurysm and aortic dissection. Last evaluated: 2020-06-09. Review status: criteria provided, single submitter. Criteria: ACMG Guidelines, 2015. Collection method: clinical testing. Allele origin: germline.